The following is an entry in ClinVar:

NM_144670.6(A2ML1):c.2819A>C (p.Asp940Ala)

Gene: A2ML1 (alpha-2-macroglobulin like 1; plus strand). Cytogenetic location: 12p13.31.
Variant type: single nucleotide variant.
Coding change: c.2819A>C on transcript NM_144670.6 (MANE Select); coding-DNA position 2819, A replaced by C.
Protein change: p.Asp940Ala; replaces aspartic acid 940 with alanine.
Molecular consequence: missense variant.
Genome position (GRCh38, 1-based): chr12:8,855,563, A>C. VCF-style: chr12-8855563-A-C. GRCh37 (hg19) VCF-style: chr12-9008159-A-C.
Other names: c.1346A>C, p.Asp449Ala (NM_001282424.3); short protein forms D449A, D940A.
Identifiers: ClinVar variation 3657084 (VCV003657084.2).

ClinVar aggregate classification (germline): Uncertain significance (1 of 4 stars; one submission).

Submission:

Labcorp Genetics (formerly Invitae), Labcorp
Classification: Uncertain significance. Last evaluated: 2024-08-20. Review status: criteria provided, single submitter. Criteria: Invitae Variant Classification Sherloc (09022015). Collection method: clinical testing. Allele origin: germline.
Comment: This sequence change replaces aspartic acid, which is acidic and polar, with alanine, which is neutral and non-polar, at codon 940 of the A2ML1 protein (p.Asp940Ala). This variant is not present in population databases (gnomAD no frequency). This variant has not been reported in the literature in individuals affected with A2ML1-related conditions. An algorithm developed to predict the effect of missense changes on protein structure and function (PolyPhen-2) suggests that this variant is likely to be disruptive. In summary, the available evidence is currently insufficient to determine the role of this variant in disease. Therefore, it has been classified as a Variant of Uncertain Significance.